The following is an entry in ClinVar:

ClinVar aggregate classification (germline): Uncertain significance. Review status: criteria provided, multiple submitters, no conflicts (2 of 4 stars). 6 submissions from 6 submitters: Uncertain significance (6). Last evaluated 2025-11-18.

Conditions:
Hereditary cancer-predisposing syndrome. Also called: Neoplastic Syndromes, Hereditary; Hereditary Cancer Syndrome; Hereditary neoplastic syndrome; Tumor predisposition. Identifiers: Orphanet 140162, MedGen C0027672, MeSH D009386, MONDO:0015356.
Familial cancer of breast. Also called: hereditary breast carcinoma; Hereditary breast cancer; BREAST CANCER, FAMILIAL. Identifiers: Orphanet 227535, MedGen C0346153, MONDO:0016419, OMIM 114480. Disease mechanism: loss of function.
Fanconi anemia complementation group J. Also called: BRIP1-Related Fanconi Anemia. Identifiers: Orphanet 84, MedGen C1836860, MONDO:0012187, OMIM 609054.

Submissions (6):

Labcorp Genetics (formerly Invitae), Labcorp
Classification: Uncertain significance for Familial cancer of breast; Fanconi anemia complementation group J. Last evaluated: 2025-11-18. Review status: criteria provided, single submitter. Criteria: Invitae Variant Classification Sherloc (09022015). Collection method: clinical testing. Allele origin: germline.
Comment: This sequence change falls in intron 13 of the BRIP1 gene. It does not directly change the encoded amino acid sequence of the BRIP1 protein. RNA analysis indicates that this variant induces altered splicing and may result in an absent or altered protein product. The frequency data for this variant in the population databases is considered unreliable, as metrics indicate poor data quality at this position in the gnomAD database. This variant has not been reported in the literature in individuals affected with BRIP1-related conditions. ClinVar contains an entry for this variant (Variation ID: 461087). Variants that disrupt the consensus splice site are a relatively common cause of aberrant splicing (PMID: 17576681, 9536098). Studies have shown that this variant results in activation of a cryptic splice site, and produces a non-functional protein and/or introduces a premature termination codon (internal data). In summary, the available evidence is currently insufficient to determine the role of this variant in disease. Therefore, it has been classified as a Variant of Uncertain Significance.

Ambry Genetics
Classification: Uncertain significance for Hereditary cancer-predisposing syndrome. Last evaluated: 2025-03-12. Review status: criteria provided, single submitter. Criteria: Ambry Variant Classification Scheme 2023. Collection method: clinical testing. Allele origin: germline.
Comment: The c.1935+4_1935+7delAGTT intronic variant begins 4 nucleotides after coding exon 12 in the BRIP1 gene. This variant results from a deletion of 4 nucleotides at positions c.1935+4 to c.1935+7. These nucleotide positions are well conserved in available vertebrate species. In silico splice site analysis predicts that this alteration will weaken the native splice donor site and may result in the creation or strengthening of a novel splice donor site; however, direct evidence is insufficient at this time (Ambry internal data). Based on the available evidence, the clinical significance of this variant remains unclear.

Baylor Genetics
Classification: Uncertain significance for Familial cancer of breast. Last evaluated: 2023-10-17. Review status: criteria provided, single submitter. Criteria: ACMG Guidelines, 2015. Collection method: clinical testing. Allele origin: unknown.

Blueprint Genetics
Classification: Uncertain significance. Last evaluated: 2023-08-02. Review status: criteria provided, single submitter. Criteria: ACMG Guidelines, 2015. Collection method: clinical testing. Allele origin: germline.

Color Diagnostics, LLC DBA Color Health
Classification: Uncertain significance for Hereditary cancer-predisposing syndrome. Last evaluated: 2022-12-06. Review status: criteria provided, single submitter. Criteria: ACMG Guidelines, 2015. Collection method: clinical testing. Allele origin: germline.
Comment: This variant removes 4 nucleotides at the +4 to +7 positions in the intron 13 splice donor site of the BRIP1 gene. Computational splicing tools predict that this variant may have a significant impact on RNA splicing. To our knowledge, RNA analysis studies have not been reported for this variant nor has this variant been reported in individuals affected with hereditary cancer in the literature. This variant has not been identified in the general population by the Genome Aggregation Database (gnomAD). The available evidence is insufficient to determine the role of this variant in disease conclusively. Therefore, this variant is classified as a Variant of Uncertain Significance.

GeneDx
Classification: Uncertain significance. Last evaluated: 2022-04-13. Review status: criteria provided, single submitter. Criteria: GeneDx Variant Classification Process June 2021. Collection method: clinical testing. Allele origin: germline. Affected: yes.
Comment: Not observed at significant frequency in large population cohorts (gnomAD); Intronic variant including the +5 position in a gene for which loss of function is a known mechanism of disease, and splice predictors support a deleterious effect, although in the absence of functional evidence, the actual effect of this sequence change is unknown.; Has not been previously published as pathogenic or benign to our knowledge

Literature cited by the submitters: PubMed 17576681 (cited by Labcorp Genetics (formerly Invitae), Labcorp); PubMed 9536098 (cited by Labcorp Genetics (formerly Invitae), Labcorp).

NM_032043.3(BRIP1):c.1935+4_1935+7del

Gene: BRIP1 (BRCA1 interacting DNA helicase 1; minus strand). Cytogenetic location: 17q23.2.
Variant type: Deletion.
Coding change: c.1935+4_1935+7del on transcript NM_032043.3 (MANE Select); bases 4 to 7 of the intron after coding-DNA position 1935, 4 bases deleted (AGTT; older notation c.1935+4_1935+7delAGTT).
Molecular consequence: splice donor variant.
Genome position (GRCh38, 1-based): chr17:61,780,254-61,780,257, AACT deleted on the plus strand (AGTT on the coding strand, the reverse complement: BRIP1 is on the minus strand); deleting any 4 consecutive bases within chr17:61,780,254-61,780,260 gives the same sequence; the c. name uses the placement nearest the transcript's 3' end. VCF-style (leftmost placement, unchanged base first): chr17-61780253-CAACT-C. GRCh37 (hg19) VCF-style: chr17-59857614-CAACT-C.
Other names: c.1935+4_1935+7delAGTT (NM_032043.2).
Identifiers: ClinVar variation 461087 (VCV000461087.26), dbSNP rs766199221, ClinGen allele CA8690631.